The following is an entry in ClinVar:

NM_000535.7(PMS2):c.741_742insGTGTGAAG (p.Ser248delinsValTer)

Gene: PMS2 (PMS1 homolog 2, mismatch repair system component; minus strand). Cytogenetic location: 7p22.1.
Variant type: Insertion.
Coding change: c.741_742insGTGTGAAG on transcript NM_000535.7 (MANE Select); coding-DNA positions 741 to 742, GTGTGAAG inserted.
Protein change: p.Ser248delinsValTer.
Molecular consequence: nonsense. On other transcripts: frameshift variant (1), 5 prime UTR variant (2), non-coding transcript variant (1), intron variant (3).
Genome position: GRCh38 VCF-style: chr7-5997387-T-TCTTCACAC. GRCh37 (hg19) VCF-style: chr7-6037018-T-TCTTCACAC.
Other names: c.336_337insGTGTGAAG, p.Ser113Valfs (NM_001018040.1); c.336_337insGTGTGAAG, p.Ser113delinsValTer (NM_001322003.2, NM_001322004.2, NM_001322005.2 and 19 more transcripts); c.741_742insGTGTGAAG, p.Ser248delinsValTer (NM_001322006.2, NM_001322014.2, NM_001406870.1 and 3 more transcripts); c.423_424insGTGTGAAG, p.Ser142delinsValTer (NM_001322007.2, NM_001322008.2, NM_001406876.1 and 4 more transcripts); c.-193_-192insGTGTGAAG (NM_001322011.2, NM_001322012.2); c.168_169insGTGTGAAG, p.Ser57delinsValTer (NM_001322013.2, NM_001406909.1); c.432_433insGTGTGAAG, p.Ser145delinsValTer (NM_001322015.2, NM_001406875.1, NM_001406877.1 and 6 more transcripts); c.927_928insGTGTGAAG, p.Ser310delinsValTer (NM_001406866.1); and 8 more.
Identifiers: ClinVar variation 3063864 (VCV003063864.1), dbSNP rs756653193, ClinGen allele CA2740097302.

ClinVar aggregate classification (germline): Pathogenic (1 of 4 stars; one submission).

Conditions:
Hereditary nonpolyposis colon cancer (HNPCC). Also called: Hereditary nonpolyposis colorectal cancer; Familial nonpolyposis colon cancer; Hereditary Nonpolyposis Colorectal Cancer Syndrome. Identifiers: Orphanet 443909, MedGen C1333990, MONDO:0018630. Disease mechanism: loss of function.

Submission:

Women's Health and Genetics/Laboratory Corporation of America, LabCorp
Classification: Pathogenic for Hereditary nonpolyposis colon cancer. Last evaluated: 2024-01-02. Review status: criteria provided, single submitter. Criteria: LabCorp Variant Classification Summary - May 2015. Collection method: clinical testing. Allele origin: germline.
Comment: Variant summary: PMS2 c.741_742insGTGTGAAG (p.Ser248ValfsX2) results in a premature termination codon, predicted to cause absence of the protein due to nonsense mediated decay, which is a commonly known mechanism for disease. The variant was absent in 249300 control chromosomes. To our knowledge, no occurrence of c.741_742insGTGTGAAG in individuals affected with Lynch Syndrome and no experimental evidence demonstrating its impact on protein function have been reported. No submitters have cited clinical-significance assessments for this variant to ClinVar after 2014. Based on the evidence outlined above, the variant was classified as pathogenic.